The following is an entry in ClinVar:

NM_000245.4(MET):c.3071T>G (p.Val1024Gly)

Gene: MET (MET proto-oncogene, receptor tyrosine kinase; plus strand). Cytogenetic location: 7q31.2.
Variant type: single nucleotide variant.
Coding change: c.3071T>G on transcript NM_000245.4 (MANE Select); coding-DNA position 3071, T replaced by G.
Protein change: p.Val1024Gly; replaces valine 1024 with glycine.
Molecular consequence: missense variant.
Genome position (GRCh38, 1-based): chr7:116,774,923, T>G. VCF-style: chr7-116774923-T-G. GRCh37 (hg19) VCF-style: chr7-116414977-T-G.
Other names: c.3125T>G, p.Val1042Gly (NM_001127500.3); c.1781T>G, p.Val594Gly (NM_001324402.2); short protein forms V1024G, V1042G, V594G.
Identifiers: ClinVar variation 2758978 (VCV002758978.3), dbSNP rs2117030004, ClinGen allele CA368987937.

ClinVar aggregate classification (germline): Uncertain significance (1 of 4 stars; one submission).

Conditions:
Renal cell carcinoma. Identifiers: Orphanet 217071, MedGen C0007134, MeSH D002292, MONDO:0005086, HP:0005584.

Submission:

Labcorp Genetics (formerly Invitae), Labcorp
Classification: Uncertain significance for Renal cell carcinoma. Last evaluated: 2023-09-08. Review status: criteria provided, single submitter. Criteria: Invitae Variant Classification Sherloc (09022015). Collection method: clinical testing. Allele origin: germline.
Comment: In summary, the available evidence is currently insufficient to determine the role of this variant in disease. Therefore, it has been classified as a Variant of Uncertain Significance. Algorithms developed to predict the effect of missense changes on protein structure and function output the following: SIFT: "Not Available"; PolyPhen-2: "Benign"; Align-GVGD: "Not Available". The glycine amino acid residue is found in multiple mammalian species, which suggests that this missense change does not adversely affect protein function. This variant has not been reported in the literature in individuals affected with MET-related conditions. This variant is not present in population databases (gnomAD no frequency). This sequence change replaces valine, which is neutral and non-polar, with glycine, which is neutral and non-polar, at codon 1042 of the MET protein (p.Val1042Gly).